The following is an entry in ClinVar:

NM_001330700.2(TOP2B):c.4661A>G (p.Asn1554Ser)

Gene: TOP2B (DNA topoisomerase II beta; minus strand). Cytogenetic location: 3p24.2.
Variant type: single nucleotide variant.
Coding change: c.4661A>G on transcript NM_001330700.2 (MANE Select); coding-DNA position 4661, A replaced by G.
Protein change: p.Asn1554Ser; replaces asparagine 1554 with serine.
Molecular consequence: missense variant.
Genome position (GRCh38, 1-based): chr3:25,599,484, T>C on the plus strand (A>G on the coding strand, the complement: TOP2B is on the minus strand). VCF-style: chr3-25599484-T-C. GRCh37 (hg19) VCF-style: chr3-25640975-T-C.
Other names: c.4646A>G (NM_001068.2); c.4646A>G, p.Asn1549Ser (NM_001068.3); short protein forms N1554S, N1549S.
Identifiers: ClinVar variation 1482405 (VCV001482405.7), dbSNP rs1427932181, ClinGen allele CA351890336.

ClinVar aggregate classification (germline): Uncertain significance. Review status: criteria provided, multiple submitters, no conflicts (2 of 4 stars). 2 submissions from 2 submitters: Uncertain significance (2). Last evaluated 2025-08-26.

Allele frequency attached by ClinVar (database versions not stated): gnomAD 0.00001; gnomAD exomes 0.00001; TOPMed below 0.00001.
gnomAD v4.1: 17 of 1,613,578 alleles (0.0011%); highest among the groups gnomAD compares: Admixed American, 0.0033%; no homozygotes.

Submissions (2):

Ambry Genetics
Classification: Uncertain significance. Last evaluated: 2025-08-26. Review status: criteria provided, single submitter. Criteria: Ambry Variant Classification Scheme 2023. Collection method: clinical testing. Allele origin: germline.

Labcorp Genetics (formerly Invitae), Labcorp
Classification: Uncertain significance. Last evaluated: 2025-04-10. Review status: criteria provided, single submitter. Criteria: Invitae Variant Classification Sherloc (09022015). Collection method: clinical testing. Allele origin: germline.
Comment: This sequence change replaces asparagine, which is neutral and polar, with serine, which is neutral and polar, at codon 1549 of the TOP2B protein (p.Asn1549Ser). The frequency data for this variant in the population databases is considered unreliable, as metrics indicate poor data quality at this position in the gnomAD database. This variant has not been reported in the literature in individuals affected with TOP2B-related conditions. ClinVar contains an entry for this variant (Variation ID: 1482405). An algorithm developed to predict the effect of missense changes on protein structure and function (PolyPhen-2) suggests that this variant is likely to be tolerated. In summary, the available evidence is currently insufficient to determine the role of this variant in disease. Therefore, it has been classified as a Variant of Uncertain Significance.